The following is an entry in ClinVar:

ClinVar aggregate classification (germline): Uncertain significance (1 of 4 stars; one submission).

Conditions:
EP300-related disorder. Also called: EP300-related condition; EP300-related disorders.

gnomAD v4.1: 1 of 1,614,030 alleles (0.000062%); no homozygotes.

Submission:

PreventionGenetics, part of Exact Sciences
Classification: Uncertain significance for EP300-related condition. Last evaluated: 2025-12-19. Review status: criteria provided, single submitter. Criteria: ACMG Guidelines, 2015. Collection method: clinical testing. Allele origin: germline.
Comment: The EP300 c.1574C>A variant is predicted to result in the amino acid substitution p.Pro525Gln. To our knowledge, this variant has not been reported in the literature or in a large population database (gnomAD), indicating this variant is rare. At this time, the clinical significance of this variant is uncertain due to the absence of conclusive functional and genetic evidence.

NM_001429.4(EP300):c.1574C>A (p.Pro525Gln)

Gene: EP300 (EP300 lysine acetyltransferase; plus strand). Cytogenetic location: 22q13.2.
Variant type: single nucleotide variant.
Coding change: c.1574C>A on transcript NM_001429.4 (MANE Select); coding-DNA position 1574, C replaced by A.
Protein change: p.Pro525Gln; replaces proline 525 with glutamine.
Molecular consequence: missense variant.
Genome position (GRCh38, 1-based): chr22:41,135,858, C>A. VCF-style: chr22-41135858-C-A. GRCh37 (hg19) VCF-style: chr22-41531862-C-A.
Other names: c.1574C>A, p.Pro525Gln (NM_001362843.2); short protein forms P525Q.
Identifiers: ClinVar variation 4994948 (VCV004994948.1).